The following is an entry in ClinVar:

ClinVar aggregate classification (germline): Likely benign. Review status: criteria provided, multiple submitters, no conflicts (2 of 4 stars). 2 submissions from 2 submitters: Likely benign (2). Last evaluated 2024-05-08.

Allele frequency attached by ClinVar (database versions not stated): TOPMed 0.00002; gnomAD 0.00003; gnomAD exomes 0.00004; 1000 Genomes Project 30x 0.00016; ExAC 0.00042.
gnomAD v4.1: 62 of 1,550,424 alleles (0.004%); highest among the groups gnomAD compares: Middle Eastern, 0.1%; no homozygotes.

Submissions (2):

Blueprint Genetics
Classification: Likely benign. Last evaluated: 2024-05-08. Review status: criteria provided, single submitter. Criteria: ACMG Guidelines, 2015. Collection method: clinical testing. Allele origin: germline.

CeGaT Center for Human Genetics Tuebingen
Classification: Likely benign. Last evaluated: 2024-05-01. Review status: criteria provided, single submitter. Criteria: CeGaT Center For Human Genetics Tuebingen Variant Classification Criteria Version 2. Collection method: clinical testing. Allele origin: germline. Affected: yes. Observed: 1 variant allele.
Comment: SETD1B: BP4, BP7

NM_001353345.2(SETD1B):c.2875C>T (p.Leu959=)

Gene: SETD1B (SET domain containing 1B, histone lysine methyltransferase; plus strand). Cytogenetic location: 12q24.31.
Variant type: single nucleotide variant.
Coding change: c.2875C>T on transcript NM_001353345.2 (MANE Select); coding-DNA position 2875, C replaced by T.
Protein change: p.Leu959=; no amino-acid change (leucine 959 retained).
Molecular consequence: synonymous variant.
Genome position (GRCh38, 1-based): chr12:121,817,192, C>T. VCF-style: chr12-121817192-C-T. GRCh37 (hg19) VCF-style: chr12-122255098-C-T.
Identifiers: ClinVar variation 3239076 (VCV003239076.20), dbSNP rs769629032.